The following is an entry in ClinVar:

NM_003242.6(TGFBR2):c.1546_1557del (p.Thr516_Glu519del)

Gene: TGFBR2 (transforming growth factor beta receptor 2; plus strand). Cytogenetic location: 3p24.1.
Variant type: Deletion.
Coding change: c.1546_1557del on transcript NM_003242.6 (MANE Select); coding-DNA positions 1546 to 1557, 12 bases deleted (ACGTTGACTGAG).
Protein change: p.Thr516_Glu519del.
Molecular consequence: inframe deletion. On other transcripts: inframe indel (14).
Genome position (GRCh38, 1-based): chr3:30,691,441-30,691,452, ACGTTGACTGAG deleted; deleting any 12 consecutive bases within chr3:30,691,437-30,691,452 gives the same sequence; the c. name uses the placement nearest the transcript's 3' end. VCF-style (leftmost placement, unchanged base first): chr3-30691436-GTGAGACGTTGAC-G. GRCh37 (hg19) VCF-style: chr3-30732928-GTGAGACGTTGAC-G.
Other names: c.1621_1632delACGTTGACTGAG, p.Thr541_Glu544del (NM_001024847.3); c.1729_1740delACGTTGACTGAG, p.Thr577_Glu580del (NM_001407126.1); c.1654_1665delACGTTGACTGAG, p.Thr552_Glu555del (NM_001407127.1); c.1573_1584delACGTTGACTGAG, p.Thr525_Glu528del (NM_001407128.1); c.1549_1560delACGTTGACTGAG, p.Thr517_Glu520del (NM_001407129.1); c.1543_1554delACGTTGACTGAG, p.Thr515_Glu518del (NM_001407130.1); c.1441_1452delACGTTGACTGAG, p.Thr481_Glu484del (NM_001407132.1, NM_001407133.1, NM_001407134.1 and 2 more transcripts); c.1261_1272delACGTTGACTGAG, p.Thr421_Glu424del (NM_001407137.1); and 2 more.
Identifiers: ClinVar variation 229649 (VCV000229649.6), dbSNP rs876658120, ClinGen allele CA10575669.
Genomic context (GRCh38, chr3:30,691,436, plus strand): 5'-GCCCACCAACTCATGGTGCCCTTTGGATCTCTTTCCCGCTACAGGGCATCCAGATGGTGT[GTGAGACGTTGAC>G]TGAGTGCTGGGACCACGACCCAGAGGCCCGTCTCACAGCCCAGTGTGTGGCAGAACGCTT-3'

ClinVar aggregate classification (germline): Likely pathogenic (1 of 4 stars; one submission).

Conditions:
Marfan syndrome (MFS). Also called: MARFAN SYNDROME, TYPE I; FBN1-Related Marfan Syndrome; Marfan syndrome, classic; Marfan syndrome type 1; Marfan's syndrome. Identifiers: Orphanet 284963, Orphanet 558, MedGen C0024796, MONDO:0007947, OMIM 154700.

Submission:

Laboratory for Molecular Medicine, Mass General Brigham Personalized Medicine
Classification: Likely pathogenic for Marfan syndrome. Last evaluated: 2011-01-25. Review status: criteria provided, single submitter. Criteria: LMM Criteria. Collection method: clinical testing. Allele origin: germline. Observed: 1 variant allele.
Comment: The 1546_1557del (Thr516_Glu519del) variant has not previously been reported in the literature or in public databases. This variant is an in-frame deletion in the last exon of T GFBR2 which removes four amino acids.